The following is an entry in ClinVar:

NM_000090.4(COL3A1):c.3050G>T (p.Gly1017Val)

Gene: COL3A1 (collagen type III alpha 1 chain; plus strand). Cytogenetic location: 2q32.2.
Variant type: single nucleotide variant.
Coding change: c.3050G>T on transcript NM_000090.4 (MANE Select); coding-DNA position 3050, G replaced by T.
Protein change: p.Gly1017Val; replaces glycine 1017 with valine.
Molecular consequence: missense variant.
Genome position (GRCh38, 1-based): chr2:189,006,216, G>T. VCF-style: chr2-189006216-G-T. GRCh37 (hg19) VCF-style: chr2-189870942-G-T.
Other names: short protein forms G1017V.
Identifiers: ClinVar variation 3390236 (VCV003390236.15).
Genomic context (GRCh38, chr2:189,006,216, plus strand): 5'-CATTTGGAAGGTTTCAAGAAATTTTATTTCCTTTCTCATTTTTTAATCAGGGAAACCCTG[G>T]ATCAGATGGTCTTCCAGGCCGAGATGGATCTCCTGGTGGCAAGGTATAATAAACACATGT-3'
Protein context (NP_000081.2, residues 1007-1027): AGEPGRDGNP[Gly1017Val]SDGLPGRDGS

ClinVar aggregate classification (germline): Pathogenic/Likely pathogenic. Review status: criteria provided, multiple submitters, no conflicts (2 of 4 stars). 2 submissions from 2 submitters: Pathogenic (1); Likely pathogenic (1). Last evaluated 2026-05-22.

Conditions:
COL3A1-related disorder. Also called: COL3A1-related condition.

Submissions (2):

PreventionGenetics, part of Exact Sciences
Classification: Likely pathogenic for COL3A1-related condition. Last evaluated: 2026-05-22. Review status: criteria provided, single submitter. Criteria: ACMG Guidelines, 2015. Collection method: clinical testing. Allele origin: germline.
Comment: The COL3A1 c.3050G>T variant is predicted to result in the amino acid substitution p.Gly1017Val. To our knowledge, this variant has not been reported in the literature or in a large population database (gnomAD), indicating this variant is rare. This variant substitutes a glycine residue to another amino acid in the Gly-X-Y triple helical domain, as seen for the majority of causative missense changes in this gene (Pepin et al. 2014. PubMed ID: 24922459). An alternate missense change at the same amino acid position (p.Gly1017Glu) has been reported in an individual with vascular type Ehlers-Danlos syndrome (Table S4, Frank et al. 2015. PubMed ID: 25758994). Taken together, the c.3050G>T (p.Gly1017Val) variant is interpreted as likely pathogenic.

CeGaT Center for Human Genetics Tuebingen
Classification: Pathogenic. Last evaluated: 2024-11-01. Review status: criteria provided, single submitter. Criteria: CeGaT Center For Human Genetics Tuebingen Variant Classification Criteria Version 2. Collection method: clinical testing. Allele origin: germline. Affected: yes. Observed: 1 variant allele.
Comment: COL3A1: PM1:Strong, PM2, PM5, PS2:Moderate